The following is an entry in ClinVar:

NM_024642.5(GALNT12):c.1245G>A (p.Gln415=)

Gene: GALNT12 (polypeptide N-acetylgalactosaminyltransferase 12; plus strand). Cytogenetic location: 9q22.33.
Variant type: single nucleotide variant.
Coding change: c.1245G>A on transcript NM_024642.5 (MANE Select); coding-DNA position 1245, G replaced by A.
Protein change: p.Gln415=; no amino-acid change (glutamine 415 retained).
Molecular consequence: synonymous variant.
Genome position (GRCh38, 1-based): chr9:98,840,034, G>A. VCF-style: chr9-98840034-G-A. GRCh37 (hg19) VCF-style: chr9-101602316-G-A.
Identifiers: ClinVar variation 1759404 (VCV001759404.3), dbSNP rs1836248367, ClinGen allele CA466425115.

ClinVar aggregate classification (germline): Benign/Likely benign. Review status: criteria provided, multiple submitters, no conflicts (2 of 4 stars). 2 submissions from 2 submitters: Benign (1); Likely benign (1). Last evaluated 2026-04-27.

Conditions:
Colorectal cancer, susceptibility to, 1. Also called: COLORECTAL ADENOMA AND CANCER, SUSCEPTIBILITY TO; COLORECTAL CANCER, SUSCEPTIBILITY TO, ON CHROMOSOME 9. Identifiers: MedGen C1837315, MONDO:0012132, OMIM 608812.

Allele frequency attached by ClinVar (database versions not stated): TOPMed 0.00002.
gnomAD v4.1: 1 of 1,614,202 alleles (0.000062%); no homozygotes.

Submissions (2):

Myriad Genetics, Inc.
Classification: Benign for Colorectal cancer, susceptibility to, 1. Last evaluated: 2026-04-27. Review status: criteria provided, single submitter. Criteria: Myriad Autosomal Dominant, Autosomal Recessive and X-Linked Classification Criteria (2023). Collection method: clinical testing. Allele origin: unknown.
Comment: This variant is considered benign. This variant is a silent/synonymous amino acid change and it is not expected to impact splicing.

Ambry Genetics
Classification: Likely benign. Last evaluated: 2021-09-08. Review status: criteria provided, single submitter. Criteria: Ambry Variant Classification Scheme 2023. Collection method: clinical testing. Allele origin: germline.